The following is an entry in ClinVar:

ClinVar aggregate classification (germline): Uncertain significance. Review status: criteria provided, multiple submitters, no conflicts (2 of 4 stars). 2 submissions from 2 submitters: Uncertain significance (2). Last evaluated 2025-11-03.

Conditions:
Developmental and epileptic encephalopathy, 40 (DEE40). Also called: Epileptic encephalopathy, early infantile, 40. Identifiers: Orphanet 3451, MedGen C4310737, MONDO:0014895, OMIM 617065.

Allele frequency attached by ClinVar (database versions not stated): gnomAD exomes 0.00011; ExAC 0.00018; 1000 Genomes Project 0.00020; 1000 Genomes Project 30x 0.00031; gnomAD 0.00044 and 0.00047; ESP Exome Variant Server 0.00046; TOPMed 0.00049.
gnomAD v4.1: 115 of 1,611,462 alleles (0.0071%); highest among the groups gnomAD compares: African/African-American, 0.14%; no homozygotes.

Submissions (2):

Labcorp Genetics (formerly Invitae), Labcorp
Classification: Uncertain significance. Last evaluated: 2025-11-03. Review status: criteria provided, single submitter. Criteria: Invitae Variant Classification Sherloc (09022015). Collection method: clinical testing. Allele origin: germline.
Comment: This sequence change replaces lysine, which is basic and polar, with arginine, which is basic and polar, at codon 645 of the GUF1 protein (p.Lys645Arg). This variant is present in population databases (rs139919081, gnomAD 0.2%), and has an allele count higher than expected for a pathogenic variant. This variant has not been reported in the literature in individuals affected with GUF1-related conditions. ClinVar contains an entry for this variant (Variation ID: 1030774). An algorithm developed to predict the effect of missense changes on protein structure and function outputs the following: PolyPhen-2: "Benign". The arginine amino acid residue is found in multiple mammalian species, which suggests that this missense change does not adversely affect protein function. In summary, the available evidence is currently insufficient to determine the role of this variant in disease. Therefore, it has been classified as a Variant of Uncertain Significance.

Baylor Genetics
Classification: Uncertain significance for Developmental and epileptic encephalopathy, 40. Last evaluated: 2019-08-30. Review status: criteria provided, single submitter. Criteria: ACMG Guidelines, 2015. Collection method: clinical testing. Allele origin: unknown. Affected: yes.
Comment: This variant was determined to be of uncertain significance according to ACMG Guidelines, 2015 [PMID:25741868].

NM_021927.3(GUF1):c.1934A>G (p.Lys645Arg)

Gene: GUF1 (GTP binding elongation factor GUF1; plus strand). Cytogenetic location: 4p12.
Variant type: single nucleotide variant.
Coding change: c.1934A>G on transcript NM_021927.3 (MANE Select); coding-DNA position 1934, A replaced by G.
Protein change: p.Lys645Arg; replaces lysine 645 with arginine.
Molecular consequence: missense variant.
Genome position (GRCh38, 1-based): chr4:44,698,605, A>G. VCF-style: chr4-44698605-A-G. GRCh37 (hg19) VCF-style: chr4-44700622-A-G.
Other names: c.962A>G, p.Lys321Arg (NM_001345867.2, NM_001345869.2); c.1814A>G, p.Lys605Arg (NM_001345868.2); short protein forms K645R, K321R, K605R.
Identifiers: ClinVar variation 1030774 (VCV001030774.6), dbSNP rs139919081, ClinGen allele CA2905827.